The following is an entry in ClinVar:

NM_004006.3(DMD):c.8547+153C>T

Gene: DMD (dystrophin; minus strand). Cytogenetic location: Xp21.2.
Variant type: single nucleotide variant.
Coding change: c.8547+153C>T on transcript NM_004006.3 (MANE Select); 153 bases into the intron after coding-DNA position 8547, C replaced by T.
Molecular consequence: intron variant.
Genome position (GRCh38, 1-based): chrX:31,496,635, G>A on the plus strand (C>T on the coding strand, the complement: DMD is on the minus strand). VCF-style: chrX-31496635-G-A. GRCh37 (hg19) VCF-style: chrX-31514752-G-A.
Other names: c.8523+153C>T (NM_000109.4); c.4524+153C>T (NM_004011.4); c.4515+153C>T (NM_004012.4); c.1167+153C>T (NM_004023.3, NM_004020.4, NM_004022.3 and 2 more transcripts); c.360+153C>T (NM_004014.3); c.8535+153C>T (NM_004009.3); c.8178+153C>T (NM_004010.3).
Identifiers: ClinVar variation 674342 (VCV000674342.1), dbSNP rs6418632, ClinGen allele CA15054108.

ClinVar aggregate classification (germline): Benign (1 of 4 stars; one submission).

Allele frequency attached by ClinVar (database versions not stated): gnomAD 0.30775 and 0.31209; TOPMed 0.31438; 1000 Genomes Project 30x 0.38751; 1000 Genomes Project 0.39444.
gnomAD v4.1: 34,649 of 111,498 alleles (31%); highest among the groups gnomAD compares: East Asian, 46%; 4,102 homozygotes.

Submission:

GeneDx
Classification: Benign. Last evaluated: 2018-06-18. Review status: criteria provided, single submitter. Criteria: GeneDx Variant Classification (06012015). Collection method: clinical testing. Allele origin: germline. Affected: yes.
Comment: This variant is considered likely benign or benign based on one or more of the following criteria: it is a conservative change, it occurs at a poorly conserved position in the protein, it is predicted to be benign by multiple in silico algorithms, and/or has population frequency not consistent with disease.